The following is an entry in ClinVar:

NM_014112.5(TRPS1):c.2542G>A (p.Ala848Thr)

Gene: TRPS1 (transcriptional repressor GATA binding 1; minus strand). Cytogenetic location: 8q23.3.
Variant type: single nucleotide variant.
Coding change: c.2542G>A on transcript NM_014112.5 (MANE Select); coding-DNA position 2542, G replaced by A.
Protein change: p.Ala848Thr; replaces alanine 848 with threonine.
Molecular consequence: missense variant.
Genome position (GRCh38, 1-based): chr8:115,587,159, C>T on the plus strand (G>A on the coding strand, the complement: TRPS1 is on the minus strand). VCF-style: chr8-115587159-C-T. GRCh37 (hg19) VCF-style: chr8-116599386-C-T.
Other names: c.2515G>A, p.Ala839Thr (NM_001282902.3); c.2521G>A, p.Ala841Thr (NM_001282903.3); c.2503G>A, p.Ala835Thr (NM_001330599.2); c.2542G>A (NM_014112.2); short protein forms A835T, A841T, A848T, A839T.
Identifiers: ClinVar variation 1944996 (VCV001944996.6), dbSNP rs377704400, ClinGen allele CA4851639.

ClinVar aggregate classification (germline): Uncertain significance. Review status: criteria provided, multiple submitters, no conflicts (2 of 4 stars). 2 submissions from 2 submitters: Uncertain significance (2). Last evaluated 2025-02-07.

Conditions:
Inborn genetic diseases. Identifiers: MedGen C0950123, MeSH D030342.
Trichorhinophalangeal dysplasia type I (TRPS1). Also called: TRPS I; TRICHORHINOPHALANGEAL SYNDROME, TYPE I. Identifiers: Orphanet 77258, MedGen C0432233, MONDO:0008596, OMIM 190350.
Trichorhinophalangeal syndrome, type III (TRPS3). Also called: SUGIO-KAJII SYNDROME. Identifiers: Orphanet 77258, MedGen C1860823, OMIM 190351, MONDO:0008597.

Allele frequency attached by ClinVar (database versions not stated): TOPMed below 0.00001; gnomAD 0.00001; ExAC 0.00004; ESP Exome Variant Server 0.00008.
gnomAD v4.1: 14 of 1,614,112 alleles (0.00087%); highest among the groups gnomAD compares: Admixed American, 0.0017%; no homozygotes.

Submissions (2):

Ambry Genetics
Classification: Uncertain significance for Inborn genetic diseases. Last evaluated: 2025-02-07. Review status: criteria provided, single submitter. Criteria: Ambry Variant Classification Scheme 2023. Collection method: clinical testing. Allele origin: germline.

Labcorp Genetics (formerly Invitae), Labcorp
Classification: Uncertain significance for Trichorhinophalangeal syndrome, type III; Trichorhinophalangeal dysplasia type I. Last evaluated: 2022-10-03. Review status: criteria provided, single submitter. Criteria: Invitae Variant Classification Sherloc (09022015). Collection method: clinical testing. Allele origin: germline.
Comment: Advanced modeling of protein sequence and biophysical properties (such as structural, functional, and spatial information, amino acid conservation, physicochemical variation, residue mobility, and thermodynamic stability) performed at Invitae indicates that this missense variant is not expected to disrupt TRPS1 protein function. This variant has not been reported in the literature in individuals affected with TRPS1-related conditions. This variant is present in population databases (rs377704400, gnomAD 0.004%). This sequence change replaces alanine, which is neutral and non-polar, with threonine, which is neutral and polar, at codon 848 of the TRPS1 protein (p.Ala848Thr). In summary, the available evidence is currently insufficient to determine the role of this variant in disease. Therefore, it has been classified as a Variant of Uncertain Significance.